The following is an entry in ClinVar:

NM_007294.4(BRCA1):c.2393C>A (p.Pro798Gln)

Gene: BRCA1 (BRCA1 DNA repair associated; minus strand). Cytogenetic location: 17q21.31.
Variant type: single nucleotide variant.
Coding change: c.2393C>A on transcript NM_007294.4 (MANE Select); coding-DNA position 2393, C replaced by A.
Protein change: p.Pro798Gln; replaces proline 798 with glutamine.
Molecular consequence: missense variant. On other transcripts: intron variant (137).
Genome position (GRCh38, 1-based): chr17:43,093,138, G>T on the plus strand (C>A on the coding strand, the complement: BRCA1 is on the minus strand). VCF-style: chr17-43093138-G-T. GRCh37 (hg19) VCF-style: chr17-41245155-G-T.
Other names: c.2129C>A, p.Pro710Gln (NM_001407933.1, NM_001407935.1, NM_001407920.1 and 9 more transcripts); c.2126C>A, p.Pro709Gln (NM_001407934.1, NM_001407936.1, NM_001407930.1 and 2 more transcripts); c.2270C>A, p.Pro757Gln (NM_001407937.1, NM_001407938.1, NM_001407939.1 and 19 more transcripts); c.2267C>A, p.Pro756Gln (NM_001407940.1, NM_001407941.1, NM_001407649.1 and 11 more transcripts); c.2252C>A, p.Pro751Gln (NM_001407942.1, NM_001407944.1, NM_001407945.1 and 29 more transcripts); c.2249C>A, p.Pro750Gln (NM_001407943.1, NM_001407964.1, NM_001407740.1 and 20 more transcripts); c.2060C>A, p.Pro687Gln (NM_001407946.1, NM_001407947.1, NM_001407948.1 and 6 more transcripts); c.2057C>A, p.Pro686Gln (NM_001407954.1, NM_001407955.1, NM_001407956.1 and 1 more transcripts); and 41 more; short protein forms P502Q, P687Q, P710Q, P730Q, P798Q, P630Q, P709Q, P727Q.
Identifiers: ClinVar variation 3825307 (VCV003825307.1).

ClinVar aggregate classification (germline): Uncertain significance (1 of 4 stars; one submission).

Conditions:
Hereditary cancer-predisposing syndrome. Also called: Hereditary neoplastic syndrome; Neoplastic Syndromes, Hereditary; Tumor predisposition; Hereditary Cancer Syndrome. Identifiers: Orphanet 140162, MedGen C0027672, MeSH D009386, MONDO:0015356.

Submission:

Ambry Genetics
Classification: Uncertain significance for Hereditary cancer-predisposing syndrome. Last evaluated: 2025-01-19. Review status: criteria provided, single submitter. Criteria: Ambry Variant Classification Scheme 2023. Collection method: clinical testing. Allele origin: germline.
Comment: The p.P798Q variant (also known as c.2393C>A), located in coding exon 9 of the BRCA1 gene, results from a C to A substitution at nucleotide position 2393. The proline at codon 798 is replaced by glutamine, an amino acid with similar properties. This amino acid position is conserved. In addition, the in silico prediction for this alteration is inconclusive. Based on the available evidence, the clinical significance of this variant remains unclear.